The following is an entry in ClinVar:

NM_000243.3(MEFV):c.176C>G (p.Thr59Ser)

Gene: MEFV (MEFV innate immuity regulator, pyrin; minus strand). Cytogenetic location: 16p13.3.
Variant type: single nucleotide variant.
Coding change: c.176C>G on transcript NM_000243.3 (MANE Select); coding-DNA position 176, C replaced by G.
Protein change: p.Thr59Ser; replaces threonine 59 with serine.
Molecular consequence: missense variant.
Genome position (GRCh38, 1-based): chr16:3,256,412, G>C on the plus strand (C>G on the coding strand, the complement: MEFV is on the minus strand). VCF-style: chr16-3256412-G-C. GRCh37 (hg19) VCF-style: chr16-3306412-G-C.
Other names: c.176C>G, p.Thr59Ser (NM_001198536.2); short protein forms T59S.
Identifiers: ClinVar variation 981062 (VCV000981062.1), dbSNP rs1959116488, ClinGen allele CA394483953.

ClinVar aggregate classification (germline): Uncertain significance (1 of 4 stars; one submission).

Submission:

Women's Health and Genetics/Laboratory Corporation of America, LabCorp
Classification: Uncertain significance. Last evaluated: 2020-09-08. Review status: criteria provided, single submitter. Criteria: LabCorp Variant Classification Summary - May 2015. Collection method: clinical testing. Allele origin: germline.
Comment: Variant summary: MEFV c.176C>G (p.Thr59Ser) results in a conservative amino acid change located in the DAPIN domain (IPR004020) of the encoded protein sequence. Four of five in-silico tools predict a benign effect of the variant on protein function. The variant was absent in 251446 control chromosomes. The available data on variant occurrences in the general population are insufficient to allow any conclusion about variant significance. To our knowledge, no occurrence of c.176C>G in individuals affected with Familial Mediterranean Fever and no experimental evidence demonstrating its impact on protein function have been reported. No clinical diagnostic laboratories have submitted clinical-significance assessments for this variant to ClinVar after 2014. Based on the evidence outlined above, the variant was classified as uncertain significance.